The following is an entry in ClinVar:

ClinVar aggregate classification (germline): Benign. Review status: criteria provided, multiple submitters, no conflicts (2 of 4 stars). 2 submissions from 2 submitters: Benign (2). Last evaluated 2018-01-13.

Conditions:
Posterior column ataxia-retinitis pigmentosa syndrome (RETSNS). Also called: RETINOPATHY-SENSORY NEUROPATHY SYNDROME. Identifiers: Orphanet 88628, MedGen C1836916, MONDO:0012177, OMIM 609033.

Allele frequency attached by ClinVar (database versions not stated): gnomAD 0.42353 and 0.42748; 1000 Genomes Project 0.47504; 1000 Genomes Project 30x 0.48298; TOPMed 0.45613; gnomAD exomes 0.16667.
gnomAD v4.1: 64,509 of 152,072 alleles (42%); highest among the groups gnomAD compares: African/African-American, 60%; 15,143 homozygotes.

Submissions (2):

Illumina Laboratory Services, Illumina
Classification: Benign for Posterior column ataxia-retinitis pigmentosa syndrome. Last evaluated: 2018-01-13. Review status: criteria provided, single submitter. Criteria: ICSL Variant Classification Criteria 13 December 2019. Collection method: clinical testing. Allele origin: germline.
Comment: This variant was observed in the ICSL laboratory as part of a predisposition screen in an ostensibly healthy population. It had not been previously curated by ICSL or reported in the Human Gene Mutation Database (HGMD: prior to June 1st, 2018), and was therefore a candidate for classification through an automated scoring system. Utilizing variant allele frequency, disease prevalence and penetrance estimates, and inheritance mode, an automated score was calculated to assess if this variant is too frequent to cause the disease. Based on the score and internal cut-off values, a variant classified as benign is not then subjected to further curation. The score for this variant resulted in a classification of benign for this disease.

Breakthrough Genomics
Classification: Benign. Review status: criteria provided, single submitter. Criteria: ACMG Guidelines, 2015. Collection method: not provided. Allele origin: germline. Inheritance: Autosomal recessive inheritance. Affected: yes.

NM_014053.4(FLVCR1):c.*2578G>A

Gene: FLVCR1 (FLVCR choline and heme transporter 1; plus strand). Cytogenetic location: 1q32.3.
Variant type: single nucleotide variant.
Coding change: c.*2578G>A on transcript NM_014053.4 (MANE Select); 2578 bases downstream of the stop codon, G replaced by A.
Molecular consequence: 3 prime UTR variant.
Genome position (GRCh38, 1-based): chr1:212,897,868, G>A. VCF-style: chr1-212897868-G-A. GRCh37 (hg19) VCF-style: chr1-213071210-G-A.
Identifiers: ClinVar variation 295384 (VCV000295384.6), dbSNP rs1284856, ClinGen allele CA10609832.